The following is an entry in ClinVar:

NM_001080414.4(CCDC88C):c.4441+2T>C

Gene: CCDC88C (coiled-coil and HOOK domain protein 88C; minus strand). Cytogenetic location: 14q32.11.
Variant type: single nucleotide variant.
Coding change: c.4441+2T>C on transcript NM_001080414.4 (MANE Select); the canonical splice donor site of the intron after coding-DNA position 4441, T replaced by C.
Molecular consequence: splice donor variant.
Genome position (GRCh38, 1-based): chr14:91,289,103, A>G on the plus strand (T>C on the coding strand, the complement: CCDC88C is on the minus strand). VCF-style: chr14-91289103-A-G. GRCh37 (hg19) VCF-style: chr14-91755447-A-G.
Identifiers: ClinVar variation 5004127 (VCV005004127.1).

ClinVar aggregate classification (germline): Likely pathogenic (1 of 4 stars; one submission).

Conditions:
Hydrocephalus, nonsyndromic, autosomal recessive 1 (HYC1). Also called: Congenital hydrocephalus 1; Hydrocephalus, nonsyndromic, autosomal recessive. Identifiers: Orphanet 2185, MedGen C3887608, MONDO:0009360, OMIM 236600.

Submission:

Myriad Genetics, Inc.
Classification: Likely pathogenic for Hydrocephalus, nonsyndromic, autosomal recessive 1. Last evaluated: 2025-08-19. Review status: criteria provided, single submitter. Criteria: Myriad Autosomal Dominant, Autosomal Recessive and X-Linked Classification Criteria (2023). Collection method: clinical testing. Allele origin: unknown.
Comment: NM_001080414.3(CCDC88C):c.4441+2T>C is a variant in a canonical splice site classified as likely pathogenic in the context of congenital hydrocephalus, CCDC88C-related. c.4441+2T>C has not been observed in cases with relevant disease. Relevant functional assessments of this variant are not available in the literature. c.4441+2T>C has not been observed in referenced population frequency databases. In summary, NM_001080414.3(CCDC88C):c.4441+2T>C is a variant in a canonical splice site in a gene where loss of function is a known mechanism of disease and is predicted to disrupt protein function. Please note: this variant was assessed in the context of healthy population screening.